The following is an entry in ClinVar:

NM_020699.4(GATAD2B):c.1379G>A (p.Arg460Gln)

Gene: GATAD2B (GATA zinc finger domain containing 2B; minus strand). Cytogenetic location: 1q21.3.
Variant type: single nucleotide variant.
Coding change: c.1379G>A on transcript NM_020699.4 (MANE Select); coding-DNA position 1379, G replaced by A.
Protein change: p.Arg460Gln; replaces arginine 460 with glutamine.
Molecular consequence: missense variant.
Genome position (GRCh38, 1-based): chr1:153,813,290, C>T on the plus strand (G>A on the coding strand, the complement: GATAD2B is on the minus strand). VCF-style: chr1-153813290-C-T. GRCh37 (hg19) VCF-style: chr1-153785766-C-T.
Other names: c.1379G>A (NM_020699.3); short protein forms R460Q.
Identifiers: ClinVar variation 1413661 (VCV001413661.13), dbSNP rs1036140299, ClinGen allele CA30705787.

ClinVar aggregate classification (germline): Uncertain significance. Review status: criteria provided, multiple submitters, no conflicts (2 of 4 stars). 4 submissions from 4 submitters: Uncertain significance (3). 1 of the submissions does not count toward it. Last evaluated 2023-04-11.

Conditions:
GATAD2B-related disorder. Also called: GATAD2B-related condition.
Severe intellectual disability-poor language-strabismus-grimacing face-long fingers syndrome (GAND). Also called: GAND SYNDROME. Identifiers: Orphanet 363686, MedGen C3554448, MONDO:0014034, OMIM 615074.

Allele frequency attached by ClinVar (database versions not stated): gnomAD exomes below 0.00001; TOPMed 0.00001.
gnomAD v4.1: 5 of 1,614,116 alleles (0.00031%); highest among the groups gnomAD compares: Non-Finnish European, 0.00042%; no homozygotes.

Submissions (4):

Genome-Nilou Lab
Classification: Uncertain significance for Severe intellectual disability-poor language-strabismus-grimacing face-long fingers syndrome. Last evaluated: 2023-04-11. Review status: criteria provided, single submitter. Criteria: ACMG Guidelines, 2015. Collection method: clinical testing. Allele origin: germline. Affected: no.

Greenwood Genetic Center Diagnostic Laboratories, Greenwood Genetic Center
Classification: Uncertain significance. Last evaluated: 2022-12-13. Review status: criteria provided, single submitter. Criteria: ACMG Guidelines, 2015. Collection method: clinical testing. Allele origin: germline. Affected: yes.
Comment: PM2

Labcorp Genetics (formerly Invitae), Labcorp
Classification: Uncertain significance. Last evaluated: 2021-06-14. Review status: criteria provided, single submitter. Criteria: Invitae Variant Classification Sherloc (09022015). Collection method: clinical testing. Allele origin: germline.
Comment: In summary, the available evidence is currently insufficient to determine the role of this variant in disease. Therefore, it has been classified as a Variant of Uncertain Significance. Algorithms developed to predict the effect of missense changes on protein structure and function are either unavailable or do not agree on the potential impact of this missense change (SIFT: "Not Available"; PolyPhen-2: "Probably Damaging"; Align-GVGD: "Not Available"). This variant has not been reported in the literature in individuals with GATAD2B-related conditions. This variant is not present in population databases (ExAC no frequency). This sequence change replaces arginine with glutamine at codon 460 of the GATAD2B protein (p.Arg460Gln). The arginine residue is highly conserved and there is a small physicochemical difference between arginine and glutamine.

PreventionGenetics, part of Exact Sciences
Classification: Uncertain significance for GATAD2B-related condition. Last evaluated: 2024-01-31. Review status: no assertion criteria provided. Collection method: clinical testing. Allele origin: germline. Not counted in ClinVar's aggregate classification.
Comment: The GATAD2B c.1379G>A variant is predicted to result in the amino acid substitution p.Arg460Gln. This variant was reported in a patient with neurodevelopmental disorder (reported as XM_005245363.1:c.1397G>A in dataset 5 in Wang et al 2020. PubMed ID: 33004838). This variant has not been reported in a large population database, indicating this variant is rare. At this time, the clinical significance of this variant is uncertain due to the absence of conclusive functional and genetic evidence.